The following is an entry in ClinVar:

NM_003632.3(CNTNAP1):c.716-31_716-9dup

Gene: CNTNAP1 (contactin associated protein 1; plus strand). Cytogenetic location: 17q21.2.
Variant type: Duplication.
Coding change: c.716-31_716-9dup on transcript NM_003632.3 (MANE Select); 31 bases into the intron before coding-DNA position 716 through 9 bases into the intron before coding-DNA position 716, 23 bases duplicated (GAGGTTTCACTCTGTCCTGCCCC).
Molecular consequence: intron variant.
Genome position (GRCh38, 1-based): chr17:42,685,926-42,685,948, GAGGTTTCACTCTGTCCTGCCCC duplicated. VCF-style (leftmost placement, unchanged base first): chr17-42685925-T-TGAGGTTTCACTCTGTCCTGCCCC. GRCh37 (hg19) VCF-style: chr17-40837943-T-TGAGGTTTCACTCTGTCCTGCCCC.
Identifiers: ClinVar variation 3047865 (VCV003047865.2), dbSNP rs750086070, ClinGen allele CA8581601.

ClinVar aggregate classification (germline): Likely benign (0 of 4 stars; one submission).

Conditions:
CNTNAP1-related disorder. Also called: CNTNAP1-related disease; CNTNAP1-related condition.

Allele frequency attached by ClinVar (database versions not stated): gnomAD exomes below 0.00001; ExAC 0.00001; TOPMed 0.00001; gnomAD 0.00002.

Submission:

PreventionGenetics, part of Exact Sciences
Classification: Likely benign for CNTNAP1-related condition. Last evaluated: 2019-03-22. Review status: no assertion criteria provided. Collection method: clinical testing. Allele origin: germline.
Comment: This variant is classified as likely benign based on ACMG/AMP sequence variant interpretation guidelines (Richards et al. 2015 PMID: 25741868, with internal and published modifications).